The following is an entry in ClinVar:

ClinVar aggregate classification (germline): Likely pathogenic. Review status: criteria provided, multiple submitters, no conflicts (2 of 4 stars). 2 submissions from 2 submitters: Likely pathogenic (2). Last evaluated 2025-08-09.

Conditions:
Congenital myasthenic syndrome (CMS). Also called: Congenital Myasthenic Syndromes. Identifiers: Orphanet 590, MedGen C0751882, MeSH D020294, MONDO:0018940.

gnomAD v4.1: 1 of 1,614,062 alleles (0.000062%); highest among the groups gnomAD compares: South Asian, 0.0011%; no homozygotes.

Submissions (2):

Natera, Inc.
Classification: Likely pathogenic for Congenital myasthenic syndrome. Last evaluated: 2025-08-09. Review status: criteria provided, single submitter. Criteria: Natera Variant Classification Schema (03/2026). Collection method: clinical testing. Allele origin: germline.
Comment: The c.322C>T variant in CHRNE is a missense variant predicted to cause substitution of proline to serine at amino acid 108. This variant is rare in the general population with a frequency below the threshold expected for the associated phenotype(s). This variant has been observed in one or more individuals affected with the associated recessive disease, as either homozygous or compound heterozygous with a second variant (PMID: 38034490). Additionally, this variant has been observed to segregate in affected family members (PMID: 38034490). This variant has been identified in one or more affected individuals with a phenotype highly consistent with the associated gene (PMID: 38034490). Computational prediction algorithms indicate this variant is likely to affect gene or protein function. Given the available evidence, this variant is classified as Likely Pathogenic.

Women's Health and Genetics/Laboratory Corporation of America, LabCorp
Classification: Likely pathogenic for Congenital myasthenic syndrome. Last evaluated: 2025-02-10. Review status: criteria provided, single submitter. Criteria: LabCorp Variant Classification Summary - May 2015. Collection method: clinical testing. Allele origin: germline.
Comment: Variant summary: CHRNE c.322C>T (p.Pro108Ser) results in a non-conservative amino acid change located in the extracellular domain of nicotinic acetylcholine receptor subunit epsilon domain of the encoded protein sequence. Four of four in-silico tools predict a damaging effect of the variant on protein function. The variant was absent in 251472 control chromosomes. c.322C>T has been reported in the literature in individuals affected with Congenital Myasthenic Syndrome. These data indicate that the variant is likely to be associated with disease. To our knowledge, no experimental evidence demonstrating an impact on protein function has been reported. The following publication have been ascertained in the context of this evaluation (PMID: 38034490). No submitters have cited clinical-significance assessments for this variant to ClinVar. Based on the evidence outlined above, the variant was classified as likely pathogenic.

Literature cited by the submitters: PubMed 38034490 (cited by Natera, Inc. and Women's Health and Genetics/Laboratory Corporation of America, LabCorp).

NM_000080.4(CHRNE):c.322C>T (p.Pro108Ser)

Genes: C17orf107 (chromosome 17 open reading frame 107; plus strand), CHRNE (cholinergic receptor nicotinic epsilon subunit; minus strand). Cytogenetic location: 17p13.2.
Variant type: single nucleotide variant.
Coding change: c.322C>T on transcript NM_000080.4 (MANE Select); coding-DNA position 322, C replaced by T.
Protein change: p.Pro108Ser; replaces proline 108 with serine.
Molecular consequence: missense variant. On other transcripts: 3 prime UTR variant (1).
Genome position (GRCh38, 1-based): chr17:4,902,239, G>A on the plus strand (C>T on the coding strand, the complement: CHRNE is on the minus strand). VCF-style: chr17-4902239-G-A. GRCh37 (hg19) VCF-style: chr17-4805534-G-A.
Other names: c.322C>T (NM_000080.3); c.*1706G>A (NM_001145536.2); short protein forms P108S.
Identifiers: ClinVar variation 3768632 (VCV003768632.2).